The following is an entry in ClinVar:

NM_001039213.4(CEACAM16):c.941-8C>T

Genes: CEACAM16 (CEA cell adhesion molecule 16, tectorial membrane component; plus strand), CEACAM16-AS1 (CEACAM16, CEACAM19 and PVR antisense RNA 1; minus strand). Cytogenetic location: 19q13.32.
Variant type: single nucleotide variant.
Coding change: c.941-8C>T on transcript NM_001039213.4 (MANE Select); 8 bases into the intron before coding-DNA position 941, C replaced by T.
Molecular consequence: intron variant.
Genome position (GRCh38, 1-based): chr19:44,707,853, C>T. VCF-style: chr19-44707853-C-T. GRCh37 (hg19) VCF-style: chr19-45211125-C-T.
Identifiers: ClinVar variation 227243 (VCV000227243.4), dbSNP rs876657441, ClinGen allele CA10577104.

ClinVar aggregate classification (germline): Likely benign (1 of 4 stars; one submission).

Allele frequency attached by ClinVar (database versions not stated): gnomAD exomes below 0.00001; TOPMed 0.00001.
gnomAD v4.1: 2 of 1,530,120 alleles (0.00013%); highest among the groups gnomAD compares: African/African-American, 0.0027%; no homozygotes.

Submission:

Laboratory for Molecular Medicine, Mass General Brigham Personalized Medicine
Classification: Likely benign. Last evaluated: 2015-04-27. Review status: criteria provided, single submitter. Criteria: LMM Criteria. Collection method: clinical testing. Allele origin: germline. Observed: 2 variant alleles.
Comment: c.941-8C>T in intron 5 of CEACAM16: This variant is not expected to have clinica l significance because a C>T change at this position does not diverge from the s plice consensus sequence and is therefore unlikely to impact splicing.